The following is an entry in ClinVar:

NM_145200.5(CABP4):c.454C>T (p.Arg152Trp)

Gene: CABP4 (calcium binding protein 4; plus strand). Cytogenetic location: 11q13.2.
Variant type: single nucleotide variant.
Coding change: c.454C>T on transcript NM_145200.5 (MANE Select); coding-DNA position 454, C replaced by T.
Protein change: p.Arg152Trp; replaces arginine 152 with tryptophan.
Molecular consequence: missense variant.
Genome position (GRCh38, 1-based): chr11:67,456,355, C>T. VCF-style: chr11-67456355-C-T. GRCh37 (hg19) VCF-style: chr11-67223826-C-T.
Other names: c.454C>T (NM_145200.3); c.139C>T, p.Arg47Trp (NM_001300895.3, NM_001300896.3, NM_001379183.1); short protein forms R152W, R47W.
Identifiers: ClinVar variation 2965111 (VCV002965111.5), dbSNP rs756392923, ClinGen allele CA6140226.

ClinVar aggregate classification (germline): Uncertain significance. Review status: criteria provided, multiple submitters, no conflicts (2 of 4 stars). 3 submissions from 3 submitters: Uncertain significance (3). Last evaluated 2025-02-17.

Conditions:
Inborn genetic diseases. Identifiers: MedGen C0950123, MeSH D030342.

Allele frequency attached by ClinVar (database versions not stated): gnomAD 0.00001; gnomAD exomes 0.00001; TOPMed 0.00001; ExAC 0.00002.
gnomAD v4.1: 17 of 1,613,636 alleles (0.0011%); highest among the groups gnomAD compares: Middle Eastern, 0.016%; no homozygotes.

Submissions (3):

Labcorp Genetics (formerly Invitae), Labcorp
Classification: Uncertain significance. Last evaluated: 2025-02-17. Review status: criteria provided, single submitter. Criteria: Invitae Variant Classification Sherloc (09022015). Collection method: clinical testing. Allele origin: germline.
Comment: This sequence change replaces arginine, which is basic and polar, with tryptophan, which is neutral and slightly polar, at codon 152 of the CABP4 protein (p.Arg152Trp). This variant is present in population databases (rs756392923, gnomAD 0.006%). This variant has not been reported in the literature in individuals affected with CABP4-related conditions. ClinVar contains an entry for this variant (Variation ID: 2965111). Invitae Evidence Modeling of protein sequence and biophysical properties (such as structural, functional, and spatial information, amino acid conservation, physicochemical variation, residue mobility, and thermodynamic stability) indicates that this missense variant is expected to disrupt CABP4 protein function with a positive predictive value of 80%. In summary, the available evidence is currently insufficient to determine the role of this variant in disease. Therefore, it has been classified as a Variant of Uncertain Significance.

Ambry Genetics
Classification: Uncertain significance for Inborn genetic diseases. Last evaluated: 2024-07-05. Review status: criteria provided, single submitter. Criteria: Ambry Variant Classification Scheme 2023. Collection method: clinical testing. Allele origin: germline.

Blueprint Genetics
Classification: Uncertain significance. Last evaluated: 2024-01-29. Review status: criteria provided, single submitter. Criteria: ACMG Guidelines, 2015. Collection method: clinical testing. Allele origin: germline.